The following is an entry in ClinVar:

NM_001127208.3(TET2):c.2617A>C (p.Ile873Leu)

Genes: TET2 (tet methylcytosine dioxygenase 2; plus strand), TET2-AS1 (TET2 antisense RNA 1; minus strand). Cytogenetic location: 4q24.
Variant type: single nucleotide variant.
Coding change: c.2617A>C on transcript NM_001127208.3 (MANE Select); coding-DNA position 2617, A replaced by C.
Protein change: p.Ile873Leu; replaces isoleucine 873 with leucine.
Molecular consequence: missense variant.
Genome position (GRCh38, 1-based): chr4:105,236,559, A>C. VCF-style: chr4-105236559-A-C. GRCh37 (hg19) VCF-style: chr4-106157716-A-C.
Other names: c.2617A>C, p.Ile873Leu (NM_017628.4); short protein forms I873L.
Identifiers: ClinVar variation 1919736 (VCV001919736.7), dbSNP rs1016637304, ClinGen allele CA102752911.
Genomic context (GRCh38, chr4:105,236,559, plus strand): 5'-CTTTTTGCAGGAAACAAGACCCAAAACTTGCATCACATGCAATATTTTCCAAATAATGTG[A>C]TCCCAAAGCAAGATCTTCTTCACAGGTGCTTTCAAGAACAGGAGCAGAAGTCACAACAAG-3'
Protein context (NP_001120680.1, residues 863-883): HHMQYFPNNV[Ile873Leu]PKQDLLHRCF

ClinVar aggregate classification (germline): Uncertain significance. Review status: criteria provided, multiple submitters, no conflicts (2 of 4 stars). 2 submissions from 2 submitters: Uncertain significance (2). Last evaluated 2025-05-29.

Allele frequency attached by ClinVar (database versions not stated): TOPMed 0.00002; gnomAD 0.00004.
gnomAD v4.1: 6 of 1,614,012 alleles (0.00037%); highest among the groups gnomAD compares: African/African-American, 0.008%; no homozygotes.

Submissions (2):

Ambry Genetics
Classification: Uncertain significance. Last evaluated: 2025-05-29. Review status: criteria provided, single submitter. Criteria: Ambry Variant Classification Scheme 2023. Collection method: clinical testing. Allele origin: germline.

Labcorp Genetics (formerly Invitae), Labcorp
Classification: Uncertain significance. Last evaluated: 2022-09-14. Review status: criteria provided, single submitter. Criteria: Invitae Variant Classification Sherloc (09022015). Collection method: clinical testing. Allele origin: germline.
Comment: This variant is present in population databases (no rsID available, gnomAD 0.01%). This variant has not been reported in the literature in individuals affected with TET2-related conditions. Algorithms developed to predict the effect of missense changes on protein structure and function (SIFT, PolyPhen-2, Align-GVGD) all suggest that this variant is likely to be tolerated. In summary, the available evidence is currently insufficient to determine the role of this variant in disease. Therefore, it has been classified as a Variant of Uncertain Significance. This sequence change replaces isoleucine, which is neutral and non-polar, with leucine, which is neutral and non-polar, at codon 873 of the TET2 protein (p.Ile873Leu).